The following is an entry in ClinVar:

ClinVar aggregate classification (germline): Uncertain significance. Review status: criteria provided, multiple submitters, no conflicts (2 of 4 stars). 2 submissions from 2 submitters: Uncertain significance (2). Last evaluated 2021-09-09.

Conditions:
Inborn genetic diseases. Identifiers: MedGen C0950123, MeSH D030342.
Epidermolysis bullosa simplex 3, localized or generalized intermediate, with BP230 deficiency (EBS3). Also called: Epidermolysis bullosa simplex due to BP230 deficiency; Epidermolysis bullosa simplex, autosomal recessive 2. Identifiers: Orphanet 412181, MedGen C3809470, MONDO:0014180, OMIM 615425.
Hereditary sensory and autonomic neuropathy type 6. Also called: HSAN VI; Neuropathy, hereditary sensory and autonomic, type VI. Identifiers: Orphanet 314381, MedGen C3539003, MONDO:0013839, OMIM 614653.

Allele frequency attached by ClinVar (database versions not stated): TOPMed below 0.00001; gnomAD 0.00001.
gnomAD v4.1: 1 of 1,613,818 alleles (0.000062%); highest among the groups gnomAD compares: Non-Finnish European, 0.000085%; no homozygotes.

Submissions (2):

Ambry Genetics
Classification: Uncertain significance for Inborn genetic diseases. Last evaluated: 2021-09-09. Review status: criteria provided, single submitter. Criteria: Ambry Variant Classification Scheme 2023. Collection method: clinical testing. Allele origin: germline.
Comment: The p.I4052V variant (also known as c.12154A>G), located in coding exon 66 of the DST gene, results from an A to G substitution at nucleotide position 12154. The isoleucine at codon 4052 is replaced by valine, an amino acid with highly similar properties. This amino acid position is not well conserved in available vertebrate species, and valine is the reference amino acid in other vertebrate species. In addition, this alteration is predicted to be tolerated by in silico analysis. Since supporting evidence is limited at this time, the clinical significance of this alteration remains unclear.

Labcorp Genetics (formerly Invitae), Labcorp
Classification: Uncertain significance for Epidermolysis bullosa simplex 3, localized or generalized intermediate, with BP230 deficiency; Hereditary sensory and autonomic neuropathy type 6. Last evaluated: 2021-08-02. Review status: criteria provided, single submitter. Criteria: Invitae Variant Classification Sherloc (09022015). Collection method: clinical testing. Allele origin: germline.
Comment: Experimental studies and prediction algorithms are not available or were not evaluated, and the functional significance of this variant is currently unknown. In summary, the available evidence is currently insufficient to determine the role of this variant in disease. Therefore, it has been classified as a Variant of Uncertain Significance. This sequence change replaces isoleucine with valine at codon 3548 of the DST protein (p.Ile3548Val). The DST gene has multiple clinically relevant transcripts. This variant occurs in alternate transcript NM_015548.4, and corresponds to NM_001723.5:c.*100002A>G in the primary transcript. This variant is not present in population databases (ExAC no frequency). This variant has not been reported in the literature in individuals affected with DST-related conditions.

NM_001374736.1(DST):c.18511A>G (p.Ile6171Val)

Gene: DST (dystonin; minus strand). Cytogenetic location: 6p12.1.
Variant type: single nucleotide variant.
Coding change: c.18511A>G on transcript NM_001374736.1 (MANE Select); coding-DNA position 18511, A replaced by G.
Protein change: p.Ile6171Val; replaces isoleucine 6171 with valine.
Molecular consequence: missense variant.
Genome position (GRCh38, 1-based): chr6:56,515,515, T>C on the plus strand (A>G on the coding strand, the complement: DST is on the minus strand). VCF-style: chr6-56515515-T-C. GRCh37 (hg19) VCF-style: chr6-56380313-T-C.
Other names: c.12154A>G, p.Ile4052Val (NM_001144769.5); c.11740A>G, p.Ile3914Val (NM_001144770.2); c.18511A>G, p.Ile6171Val (NM_001374722.1); c.17551A>G, p.Ile5851Val (NM_001374729.1); c.11293A>G, p.Ile3765Val (NM_001374730.1); c.18538A>G, p.Ile6180Val (NM_001374734.1); c.11620A>G, p.Ile3874Val (NM_001386100.1, NM_183380.4); c.10642A>G, p.Ile3548Val (NM_015548.5); short protein forms I3548V, I6171V, I6180V, I3765V, I3874V, I5851V, I3914V, I4052V.
Identifiers: ClinVar variation 1371677 (VCV001371677.8), dbSNP rs1293840172, ClinGen allele CA364502945.